The following is an entry in ClinVar:

ClinVar aggregate classification (germline): Uncertain significance (1 of 4 stars; one submission).

Submission:

Labcorp Genetics (formerly Invitae), Labcorp
Classification: Uncertain significance. Last evaluated: 2024-11-06. Review status: criteria provided, single submitter. Criteria: Invitae Variant Classification Sherloc (09022015). Collection method: clinical testing. Allele origin: germline.
Comment: This sequence change replaces alanine, which is neutral and non-polar, with valine, which is neutral and non-polar, at codon 2294 of the CNOT1 protein (p.Ala2294Val). This variant is not present in population databases (gnomAD no frequency). This variant has not been reported in the literature in individuals affected with CNOT1-related conditions. An algorithm developed to predict the effect of missense changes on protein structure and function (PolyPhen-2) suggests that this variant is likely to be disruptive. In summary, the available evidence is currently insufficient to determine the role of this variant in disease. Therefore, it has been classified as a Variant of Uncertain Significance.

NM_016284.5(CNOT1):c.6896C>T (p.Ala2299Val)

Genes: CNOT1 (CCR4-NOT transcription complex subunit 1; minus strand), SETD6 (SET domain containing 6, protein lysine methyltransferase; plus strand). Cytogenetic location: 16q21.
Variant type: single nucleotide variant.
Coding change: c.6896C>T on transcript NM_016284.5 (MANE Select); coding-DNA position 6896, C replaced by T.
Protein change: p.Ala2299Val; replaces alanine 2299 with valine.
Molecular consequence: missense variant. On other transcripts: non-coding transcript variant (1), 3 prime UTR variant (1).
Genome position (GRCh38, 1-based): chr16:58,523,391, G>A on the plus strand (C>T on the coding strand, the complement: CNOT1 is on the minus strand). VCF-style: chr16-58523391-G-A. GRCh37 (hg19) VCF-style: chr16-58557295-G-A.
Other names: c.6881C>T, p.Ala2294Val (NM_001265612.2); c.*4362G>A (NM_001160305.4); short protein forms A2294V, A2299V.
Identifiers: ClinVar variation 3662894 (VCV003662894.2).